The following is an entry in ClinVar:

NM_004333.6(BRAF):c.93C>A (p.Ala31=)

Gene: BRAF (B-Raf proto-oncogene, serine/threonine kinase; minus strand). Cytogenetic location: 7q34.
Variant type: single nucleotide variant.
Coding change: c.93C>A on transcript NM_004333.6 (MANE Select); coding-DNA position 93, C replaced by A.
Protein change: p.Ala31=; no amino-acid change (alanine 31 retained).
Molecular consequence: synonymous variant.
Genome position (GRCh38, 1-based): chr7:140,924,611, G>T on the plus strand (C>A on the coding strand, the complement: BRAF is on the minus strand). VCF-style: chr7-140924611-G-T. GRCh37 (hg19) VCF-style: chr7-140624411-G-T.
Other names: c.93C>A, p.Ala31= (NM_001354609.2, NM_001374244.1, NM_001374258.1 and 7 more transcripts).
Identifiers: ClinVar variation 1766813 (VCV001766813.4), dbSNP rs2129153244, ClinGen allele CA458124847.

ClinVar aggregate classification (germline): Likely benign. Review status: criteria provided, multiple submitters, no conflicts (2 of 4 stars). 3 submissions from 3 submitters: Likely benign (2). 1 of the submissions does not count toward it. Last evaluated 2025-02-27.

Conditions:
RASopathy. Also called: Noonan spectrum disorder; rasopathies. Identifiers: Orphanet 536391, MedGen C5555857, MONDO:0021060.
BRAF-related disorder. Also called: BRAF-related condition.
Cardiovascular phenotype. Identifiers: MedGen CN230736.

Submissions (3):

Labcorp Genetics (formerly Invitae), Labcorp
Classification: Likely benign for RASopathy. Last evaluated: 2025-02-27. Review status: criteria provided, single submitter. Criteria: Invitae Variant Classification Sherloc (09022015). Collection method: clinical testing. Allele origin: germline.

Ambry Genetics
Classification: Likely benign for Cardiovascular phenotype. Last evaluated: 2020-06-15. Review status: criteria provided, single submitter. Criteria: Ambry Variant Classification Scheme 2023. Collection method: clinical testing. Allele origin: germline.

PreventionGenetics, part of Exact Sciences
Classification: Likely benign for BRAF-related condition. Last evaluated: 2024-05-23. Review status: no assertion criteria provided. Collection method: clinical testing. Allele origin: germline. Not counted in ClinVar's aggregate classification.
Comment: This variant is classified as likely benign based on ACMG/AMP sequence variant interpretation guidelines (Richards et al. 2015 PMID: 25741868, with internal and published modifications).